The following is an entry in ClinVar:

ClinVar aggregate classification (germline): Conflicting classifications of pathogenicity. Review status: criteria provided, conflicting classifications (1 of 4 stars). 3 submissions from 3 submitters: Uncertain significance (2); Likely benign (1). Last evaluated 2026-01-23.

Conditions:
MHC class II deficiency. Also called: Bare lymphocyte syndrome 2; BLS, TYPE II. Identifiers: Orphanet 572, MedGen C5447452, MONDO:0008855.
Inborn genetic diseases. Identifiers: MedGen C0950123, MeSH D030342.

Allele frequency attached by ClinVar (database versions not stated): gnomAD exomes 0.00002 and 0.00004; ExAC 0.00009; gnomAD 0.00010 and 0.00011; TOPMed 0.00011; 1000 Genomes Project 30x 0.00031; ESP Exome Variant Server 0.00038; 1000 Genomes Project 0.00040.
gnomAD v4.1: 41 of 1,613,792 alleles (0.0025%); highest among the groups gnomAD compares: African/African-American, 0.027%; no homozygotes.

Submissions (3):

Women's Health and Genetics/Laboratory Corporation of America, LabCorp
Classification: Uncertain significance. Last evaluated: 2026-01-23. Review status: criteria provided, single submitter. Criteria: LabCorp Variant Classification Summary - May 2015. Collection method: clinical testing. Allele origin: germline.

Ambry Genetics
Classification: Likely benign for Inborn genetic diseases. Last evaluated: 2024-10-01. Review status: criteria provided, single submitter. Criteria: Ambry Variant Classification Scheme 2023. Collection method: clinical testing. Allele origin: germline.

Labcorp Genetics (formerly Invitae), Labcorp
Classification: Uncertain significance for MHC class II deficiency. Last evaluated: 2022-08-09. Review status: criteria provided, single submitter. Criteria: Invitae Variant Classification Sherloc (09022015). Collection method: clinical testing. Allele origin: germline.
Comment: This sequence change replaces valine, which is neutral and non-polar, with isoleucine, which is neutral and non-polar, at codon 117 of the RFXANK protein (p.Val117Ile). This variant is present in population databases (rs145448880, gnomAD 0.03%). This variant has not been reported in the literature in individuals affected with RFXANK-related conditions. ClinVar contains an entry for this variant (Variation ID: 950732). Algorithms developed to predict the effect of missense changes on protein structure and function output the following: SIFT: "Tolerated"; PolyPhen-2: "Benign"; Align-GVGD: "Class C0". The isoleucine amino acid residue is found in multiple mammalian species, which suggests that this missense change does not adversely affect protein function. In summary, the available evidence is currently insufficient to determine the role of this variant in disease. Therefore, it has been classified as a Variant of Uncertain Significance.

NM_003721.4(RFXANK):c.349G>A (p.Val117Ile)

Gene: RFXANK (regulatory factor X associated ankyrin containing protein; plus strand). Cytogenetic location: 19p13.11.
Variant type: single nucleotide variant.
Coding change: c.349G>A on transcript NM_003721.4 (MANE Select); coding-DNA position 349, G replaced by A.
Protein change: p.Val117Ile; replaces valine 117 with isoleucine.
Molecular consequence: missense variant.
Genome position (GRCh38, 1-based): chr19:19,197,532, G>A. VCF-style: chr19-19197532-G-A. GRCh37 (hg19) VCF-style: chr19-19308341-G-A.
Other names: c.283G>A, p.Val95Ile (NM_001278727.2, NM_001370234.1); c.280G>A, p.Val94Ile (NM_001278728.2, NM_134440.3); c.349G>A, p.Val117Ile (NM_001370233.1, NM_001370238.1); c.346G>A, p.Val116Ile (NM_001370235.1, NM_001370236.1, NM_001370237.1); c.349G>A (NM_003721.2); short protein forms V117I, V94I, V95I, V116I.
Identifiers: ClinVar variation 950732 (VCV000950732.7), dbSNP rs145448880, ClinGen allele CA9322718.